The following is an entry in ClinVar:

NM_024642.5(GALNT12):c.1164G>A (p.Met388Ile)

Gene: GALNT12 (polypeptide N-acetylgalactosaminyltransferase 12; plus strand). Cytogenetic location: 9q22.33.
Variant type: single nucleotide variant.
Coding change: c.1164G>A on transcript NM_024642.5 (MANE Select); coding-DNA position 1164, G replaced by A.
Protein change: p.Met388Ile; replaces methionine 388 with isoleucine.
Molecular consequence: missense variant.
Genome position (GRCh38, 1-based): chr9:98,837,100, G>A. VCF-style: chr9-98837100-G-A. GRCh37 (hg19) VCF-style: chr9-101599382-G-A.
Other names: c.1164G>A (NM_024642.4); short protein forms M388I.
Identifiers: ClinVar variation 2675802 (VCV002675802.2), dbSNP rs2490533531, ClinGen allele CA374219931.

ClinVar aggregate classification (germline): Uncertain significance. Review status: criteria provided, multiple submitters, no conflicts (2 of 4 stars). 2 submissions from 2 submitters: Uncertain significance (2). Last evaluated 2023-10-24.

Conditions:
Colorectal cancer, susceptibility to, 1. Also called: COLORECTAL ADENOMA AND CANCER, SUSCEPTIBILITY TO; COLORECTAL CANCER, SUSCEPTIBILITY TO, ON CHROMOSOME 9. Identifiers: MedGen C1837315, MONDO:0012132, OMIM 608812.

Allele frequency attached by ClinVar (database versions not stated): gnomAD exomes below 0.00001.
gnomAD v4.1: 2 of 1,614,154 alleles (0.00012%); highest among the groups gnomAD compares: Non-Finnish European, 0.00017%; no homozygotes.

Submissions (2):

Baylor Genetics
Classification: Uncertain significance for Colorectal cancer, susceptibility to, 1. Last evaluated: 2023-10-24. Review status: criteria provided, single submitter. Criteria: ACMG Guidelines, 2015. Collection method: clinical testing. Allele origin: unknown.

Ambry Genetics
Classification: Uncertain significance. Last evaluated: 2023-10-02. Review status: criteria provided, single submitter. Criteria: Ambry Variant Classification Scheme 2023. Collection method: clinical testing. Allele origin: germline.
Comment: The p.M388I variant (also known as c.1164G>A), located in coding exon 6 of the GALNT12 gene, results from a G to A substitution at nucleotide position 1164. The methionine at codon 388 is replaced by isoleucine, an amino acid with highly similar properties. This amino acid position is conserved. In addition, the in silico prediction for this alteration is inconclusive. Since supporting evidence is limited at this time, the clinical significance of this alteration remains unclear.